The following is an entry in ClinVar:

NM_003628.6(PKP4):c.2891A>T (p.Lys964Met)

Genes: PKP4 (plakophilin 4; plus strand), PKP4-AS1 (PKP4 antisense RNA 1; minus strand). Cytogenetic location: 2q24.1.
Variant type: single nucleotide variant.
Coding change: c.2891A>T on transcript NM_003628.6 (MANE Select); coding-DNA position 2891, A replaced by T.
Protein change: p.Lys964Met; replaces lysine 964 with methionine.
Molecular consequence: missense variant.
Genome position (GRCh38, 1-based): chr2:158,669,882, A>T. VCF-style: chr2-158669882-A-T. GRCh37 (hg19) VCF-style: chr2-159526394-A-T.
Other names: c.2891A>T, p.Lys964Met (NM_001005476.4, NM_001377218.1, NM_001377225.1); c.2888A>T, p.Lys963Met (NM_001304969.3, NM_001377219.1, NM_001377220.1 and 2 more transcripts); c.1862A>T, p.Lys621Met (NM_001304970.3); c.2885A>T, p.Lys962Met (NM_001377222.1, NM_001377223.1); c.2882A>T, p.Lys961Met (NM_001377224.1); short protein forms K961M, K621M, K962M, K963M, K964M.
Identifiers: ClinVar variation 3933367 (VCV003933367.1).
Genomic context (GRCh38, chr2:158,669,882, plus strand): 5'-AGGTCACCAGCAAAAACATGGAGAACGCAAAAGCCCTGGCCGACTCAGGAGGCATAGAGA[A>T]GCTGGTGAACATAACCAAAGGCAGGGGCGACAGGCAAGTCTGCGGCAAGGAGGTGCAAGC-3'
Protein context (NP_003619.2, residues 954-974): KALADSGGIE[Lys964Met]LVNITKGRGD

ClinVar aggregate classification (germline): Uncertain significance (1 of 4 stars; one submission).

gnomAD v4.1: 6 of 1,613,346 alleles (0.00037%); highest among the groups gnomAD compares: Non-Finnish European, 0.00051%; no homozygotes.

Submission:

Ambry Genetics
Classification: Uncertain significance. Last evaluated: 2025-05-05. Review status: criteria provided, single submitter. Criteria: Ambry Variant Classification Scheme 2023. Collection method: clinical testing. Allele origin: germline.
Comment: The p.K964M variant (also known as c.2891A>T), located in coding exon 16 of the PKP4 gene, results from an A to T substitution at nucleotide position 2891. The lysine at codon 964 is replaced by methionine, an amino acid with similar properties. This amino acid position is conserved. In addition, the in silico prediction for this alteration is inconclusive. Based on the available evidence, the clinical significance of this variant remains unclear.